The following is an entry in ClinVar:

NM_033380.3(COL4A5):c.2723G>C (p.Gly908Ala)

Gene: COL4A5 (collagen type IV alpha 5 chain; plus strand). Cytogenetic location: Xq22.3.
Variant type: single nucleotide variant.
Coding change: c.2723G>C on transcript NM_033380.3 (MANE Select); coding-DNA position 2723, G replaced by C.
Protein change: p.Gly908Ala; replaces glycine 908 with alanine.
Molecular consequence: missense variant.
Genome position (GRCh38, 1-based): chrX:108,621,848, G>C. VCF-style: chrX-108621848-G-C. GRCh37 (hg19) VCF-style: chrX-107865078-G-C.
Other names: c.2723G>C, p.Gly908Ala (NM_000495.5); c.2723G>C (NM_000495.3); short protein forms G908A.
Identifiers: ClinVar variation 3066211 (VCV003066211.2), dbSNP rs878853089, ClinGen allele CA413852082.

ClinVar aggregate classification (germline): Conflicting classifications of pathogenicity. Review status: criteria provided, conflicting classifications (1 of 4 stars). 2 submissions from 2 submitters: Likely pathogenic (1); Uncertain significance (1). Last evaluated 2024-03-01.

Conditions:
X-linked Alport syndrome (ATS1). Also called: COL4A5-Related Nephropathy; NEPHROPATHY AND DEAFNESS, X-LINKED. Identifiers: Orphanet 63, Orphanet 88917, MedGen C4746986, MONDO:0010520, OMIM 301050.
Inborn genetic diseases. Identifiers: MedGen C0950123, MeSH D030342.

Submissions (2):

Ambry Genetics
Classification: Uncertain significance for Inborn genetic diseases. Last evaluated: 2024-03-01. Review status: criteria provided, single submitter. Criteria: Ambry Variant Classification Scheme 2023. Collection method: clinical testing. Allele origin: germline.

MVZ Medizinische Genetik Mainz
Classification: Likely pathogenic for X-linked Alport syndrome. Last evaluated: 2022-06-09. Review status: criteria provided, single submitter. Criteria: UK Practice Guidelines For Variant Classification V4 01 2020. Collection method: clinical testing. Allele origin: germline. Inheritance: Unknown mechanism. Affected: yes. Observed: 1 variant allele.
Comment: ACMG Criteria: PM1_STR, PM5, PM2_SUP, PP3, PP4